The following is an entry in ClinVar:

NM_138413.4(HOGA1):c.603+1G>A

Gene: HOGA1 (4-hydroxy-2-oxoglutarate aldolase 1; plus strand). Cytogenetic location: 10q24.2.
Variant type: single nucleotide variant.
Coding change: c.603+1G>A on transcript NM_138413.4 (MANE Select); the canonical splice donor site of the intron after coding-DNA position 603, G replaced by A.
Molecular consequence: splice donor variant. On other transcripts: intron variant (1).
Genome position (GRCh38, 1-based): chr10:97,599,815, G>A. VCF-style: chr10-97599815-G-A. GRCh37 (hg19) VCF-style: chr10-99359572-G-A.
Other names: c.212-2042G>A (NM_001134670.2).
Identifiers: ClinVar variation 1179081 (VCV001179081.3), dbSNP rs2135722313, ClinGen allele CA377979308.

ClinVar aggregate classification (germline): Likely pathogenic. Review status: criteria provided, multiple submitters, no conflicts (2 of 4 stars). 2 submissions from 2 submitters: Likely pathogenic (2). Last evaluated 2026-01-08.

Conditions:
Primary hyperoxaluria type 3. Also called: PH III. Identifiers: Orphanet 416, Orphanet 93600, MedGen C3150878, MONDO:0013327, OMIM 613616. Disease mechanism: loss of function.

Submissions (2):

Labcorp Genetics (formerly Invitae), Labcorp
Classification: Likely pathogenic. Last evaluated: 2026-01-08. Review status: criteria provided, single submitter. Criteria: Invitae Variant Classification Sherloc (09022015). Collection method: clinical testing. Allele origin: germline.
Comment: This sequence change affects a donor splice site in intron 4 of the HOGA1 gene. It is expected to disrupt RNA splicing. Variants that disrupt the donor or acceptor splice site typically lead to a loss of protein function (PMID: 16199547), and loss-of-function variants in HOGA1 are known to be pathogenic (PMID: 22391140, 22781098). This variant is not present in population databases (gnomAD no frequency). This variant has not been reported in the literature in individuals affected with HOGA1-related conditions. ClinVar contains an entry for this variant (Variation ID: 1179081). Algorithms developed to predict the effect of sequence changes on RNA splicing suggest that this variant may disrupt the consensus splice site. In summary, the currently available evidence indicates that the variant is pathogenic, but additional data are needed to prove that conclusively. Therefore, this variant has been classified as Likely Pathogenic.

Fulgent Genetics
Classification: Likely pathogenic for Primary hyperoxaluria type 3. Last evaluated: 2021-06-30. Review status: criteria provided, single submitter. Criteria: ACMG Guidelines, 2015. Collection method: clinical testing. Allele origin: unknown.
Comment: This variant has been detected in individual(s) who were sent for testing of Renasight - kidney gene panel.

Literature cited by the submitters: PubMed 16199547 (cited by Labcorp Genetics (formerly Invitae), Labcorp); PubMed 22391140 (cited by Labcorp Genetics (formerly Invitae), Labcorp); PubMed 22781098 (cited by Labcorp Genetics (formerly Invitae), Labcorp).